The following is an entry in ClinVar:

NM_000057.4(BLM):c.4234C>G (p.Pro1412Ala)

Gene: BLM (BLM RecQ like helicase; plus strand). Cytogenetic location: 15q26.1.
Variant type: single nucleotide variant.
Coding change: c.4234C>G on transcript NM_000057.4 (MANE Select); coding-DNA position 4234, C replaced by G.
Protein change: p.Pro1412Ala; replaces proline 1412 with alanine.
Molecular consequence: missense variant.
Genome position (GRCh38, 1-based): chr15:90,815,259, C>G. VCF-style: chr15-90815259-C-G. GRCh37 (hg19) VCF-style: chr15-91358489-C-G.
Other names: c.4234C>G, p.Pro1412Ala (NM_001287246.2); c.3841C>G, p.Pro1281Ala (NM_001287247.2); c.3109C>G, p.Pro1037Ala (NM_001287248.2); short protein forms P1281A, P1037A, P1412A.
Identifiers: ClinVar variation 849561 (VCV000849561.13), dbSNP rs1249221595, ClinGen allele CA393853268.
Genomic context (GRCh38, chr15:90,815,259, plus strand): 5'-GCCAATAGCAAATTGGGGATTATGGCTCCACCGAAGCCTATAAATAGACCGTTTCTTAAG[C>G]CTTCATATGCATTCTCATAACAACCGAATCTCAATGTACATAGACCCTCTTTCTTGTTTG-3'
Protein context (NP_000048.1, residues 1402-1417): PKPINRPFLK[Pro1412Ala]SYAFS

ClinVar aggregate classification (germline): Uncertain significance. Review status: criteria provided, single submitter (1 of 4 stars). 2 submissions from 2 submitters: Uncertain significance (1). 1 of the submissions does not count toward it. Last evaluated 2019-03-22.

Conditions:
Bloom syndrome (BLM). Also called: Bloom-Torre-Machacek syndrome. Identifiers: Orphanet 125, MedGen C0005859, MONDO:0008876, OMIM 210900.

Submissions (2):

Labcorp Genetics (formerly Invitae), Labcorp
Classification: Uncertain significance for Bloom syndrome. Last evaluated: 2019-03-22. Review status: criteria provided, single submitter. Criteria: Invitae Variant Classification Sherloc (09022015). Collection method: clinical testing. Allele origin: germline.
Comment: Algorithms developed to predict the effect of missense changes on protein structure and function are either unavailable or do not agree on the potential impact of this missense change (SIFT: "Tolerated"; PolyPhen-2: "Probably Damaging"; Align-GVGD: "Class C0"). In summary, the available evidence is currently insufficient to determine the role of this variant in disease. Therefore, it has been classified as a Variant of Uncertain Significance. This variant has not been reported in the literature in individuals with BLM-related conditions. This variant is not present in population databases (ExAC no frequency). This sequence change replaces proline with alanine at codon 1412 of the BLM protein (p.Pro1412Ala). The proline residue is moderately conserved and there is a small physicochemical difference between proline and alanine.

Natera, Inc.
Classification: Uncertain significance for Bloom syndrome. Last evaluated: 2018-09-22. Review status: no assertion criteria provided. Collection method: clinical testing. Allele origin: germline. Not counted in ClinVar's aggregate classification.